The following is an entry in ClinVar:

ClinVar aggregate classification (germline): Uncertain significance (1 of 4 stars; one submission).

Conditions:
Cholestanol storage disease (CTX). Also called: Cerebrotendinous Xanthomatosis; CTX: Cerebrotendinous xanthomatosis; CEREBRAL CHOLESTERINOSIS. Identifiers: Orphanet 909, MedGen C0238052, MONDO:0008948, OMIM 213700.

Submission:

Labcorp Genetics (formerly Invitae), Labcorp
Classification: Uncertain significance for Cholestanol storage disease. Last evaluated: 2021-04-27. Review status: criteria provided, single submitter. Criteria: Invitae Variant Classification Sherloc (09022015). Collection method: clinical testing. Allele origin: germline.
Comment: In summary, the available evidence is currently insufficient to determine the role of this variant in disease. Therefore, it has been classified as a Variant of Uncertain Significance. Advanced modeling of protein sequence and biophysical properties (such as structural, functional, and spatial information, amino acid conservation, physicochemical variation, residue mobility, and thermodynamic stability) performed at Invitae indicates that this missense variant is not expected to disrupt CYP27A1 protein function. This variant has not been reported in the literature in individuals with CYP27A1-related conditions. This variant is not present in population databases (ExAC no frequency). This sequence change replaces glycine with arginine at codon 42 of the CYP27A1 protein (p.Gly42Arg). The glycine residue is weakly conserved and there is a moderate physicochemical difference between glycine and arginine.

NM_000784.4(CYP27A1):c.124G>A (p.Gly42Arg)

Gene: CYP27A1 (cytochrome P450 family 27 subfamily A member 1; plus strand). Cytogenetic location: 2q35.
Variant type: single nucleotide variant.
Coding change: c.124G>A on transcript NM_000784.4 (MANE Select); coding-DNA position 124, G replaced by A.
Protein change: p.Gly42Arg; replaces glycine 42 with arginine.
Molecular consequence: missense variant.
Genome position (GRCh38, 1-based): chr2:218,782,306, G>A. VCF-style: chr2-218782306-G-A. GRCh37 (hg19) VCF-style: chr2-219647029-G-A.
Other names: short protein forms G42R.
Identifiers: ClinVar variation 1391278 (VCV001391278.8), dbSNP rs2106479143, ClinGen allele CA350576081.